The following is an entry in ClinVar:

ClinVar aggregate classification (germline): Uncertain significance (1 of 4 stars; one submission).

Submission:

Labcorp Genetics (formerly Invitae), Labcorp
Classification: Uncertain significance. Last evaluated: 2023-08-16. Review status: criteria provided, single submitter. Criteria: Invitae Variant Classification Sherloc (09022015). Collection method: clinical testing. Allele origin: germline.
Comment: In summary, the available evidence is currently insufficient to determine the role of this variant in disease. Therefore, it has been classified as a Variant of Uncertain Significance. Experimental studies and prediction algorithms are not available or were not evaluated, and the functional significance of this variant is currently unknown. This variant has not been reported in the literature in individuals affected with KMT2E-related conditions. This variant is not present in population databases (gnomAD no frequency). This variant, c.2194_2196del, results in the deletion of 1 amino acid(s) of the KMT2E protein (p.Lys732del), but otherwise preserves the integrity of the reading frame.

NM_182931.3(KMT2E):c.2191AAG[1] (p.Lys732del)

Gene: KMT2E (lysine methyltransferase 2E (inactive); plus strand). Cytogenetic location: 7q22.3.
Variant type: Microsatellite.
Coding change: c.2191AAG[1] on transcript NM_182931.3 (MANE Select); one copy of the 3-base unit AAG starting at c.2191; the reference has two copies in a row; one copy, 3 bases deleted.
Protein change: p.Lys732del; deletes lysine 732.
Molecular consequence: inframe deletion.
Genome position (GRCh38, 1-based): chr7:105,102,192-105,102,194, AAG deleted; deleting any 3 consecutive bases within chr7:105,102,189-105,102,194 gives the same sequence; the position shown is the placement nearest the transcript's 3' end. VCF-style (leftmost placement, unchanged base first): chr7-105102188-AAAG-A. GRCh37 (hg19) VCF-style: chr7-104742635-AAAG-A.
Other names: c.2191AAG[1], p.Lys732del (NM_001410908.1, NM_018682.4); short protein forms K732del.
Identifiers: ClinVar variation 2812362 (VCV002812362.3), dbSNP rs1244045907, ClinGen allele CA830944869.
Genomic context (GRCh38, chr7:105,102,188, plus strand): 5'-AATAATTACTGAAACTGAAGTTCCAGCACTTAATAAATGTCCTACCAAGTACCCCAAAAC[AAAG>A]AAGGTATGATTCTAATGAATGTAAGAACTGTTTTTCTAACAGTTTCTTATATTAATTATA-3'